The following is an entry in ClinVar:

NM_004656.4(BAP1):c.1708C>A (p.Leu570Met)

Gene: BAP1 (BRCA1 associated deubiquitinase 1; minus strand). Cytogenetic location: 3p21.1.
Variant type: single nucleotide variant.
Coding change: c.1708C>A on transcript NM_004656.4 (MANE Select); coding-DNA position 1708, C replaced by A.
Protein change: p.Leu570Met; replaces leucine 570 with methionine.
Molecular consequence: missense variant.
Genome position (GRCh38, 1-based): chr3:52,403,437, G>T on the plus strand (C>A on the coding strand, the complement: BAP1 is on the minus strand). VCF-style: chr3-52403437-G-T. GRCh37 (hg19) VCF-style: chr3-52437453-G-T.
Other names: c.1654C>A, p.Leu552Met (NM_001410772.1); short protein forms L552M, L570M.
Identifiers: ClinVar variation 2626747 (VCV002626747.2), dbSNP rs1553644806, ClinGen allele CA353099657.
Genomic context (GRCh38, chr3:52,403,437, plus strand): 5'-GGGTGCACCAAGTGGCCAGTGAGCCAGTCCAAGGCCCACCTGTCAGCGCCAGGGGACTCA[G>T]CACCCCATCCTCAGCCAGGTGCAGCAGGCCTGTGCTGATGACAGGACCCAGATCACGGAC-3'
Protein context (NP_004647.1, residues 560-580): GLLHLAEDGV[Leu570Met]SPLALTEGGK

ClinVar aggregate classification (germline): Uncertain significance (1 of 4 stars; one submission).

Conditions:
Hereditary cancer-predisposing syndrome. Also called: Tumor predisposition; Hereditary Cancer Syndrome; Hereditary neoplastic syndrome; Neoplastic Syndromes, Hereditary. Identifiers: Orphanet 140162, MedGen C0027672, MeSH D009386, MONDO:0015356.

Submission:

Ambry Genetics
Classification: Uncertain significance for Hereditary cancer-predisposing syndrome. Last evaluated: 2023-08-11. Review status: criteria provided, single submitter. Criteria: Ambry Variant Classification Scheme 2023. Collection method: clinical testing. Allele origin: germline.
Comment: The p.L570M variant (also known as c.1708C>A), located in coding exon 13 of the BAP1 gene, results from a C to A substitution at nucleotide position 1708. The leucine at codon 570 is replaced by methionine, an amino acid with highly similar properties. This amino acid position is well conserved in available vertebrate species. In addition, this alteration is predicted to be tolerated by in silico analysis. Since supporting evidence is limited at this time, the clinical significance of this alteration remains unclear.